The following is an entry in ClinVar:

NM_004525.3(LRP2):c.5201C>T (p.Ser1734Phe)

Gene: LRP2 (LDL receptor related protein 2; minus strand). Cytogenetic location: 2q31.1.
Variant type: single nucleotide variant.
Coding change: c.5201C>T on transcript NM_004525.3 (MANE Select); coding-DNA position 5201, C replaced by T.
Protein change: p.Ser1734Phe; replaces serine 1734 with phenylalanine.
Molecular consequence: missense variant.
Genome position (GRCh38, 1-based): chr2:169,231,740, G>A on the plus strand (C>T on the coding strand, the complement: LRP2 is on the minus strand). VCF-style: chr2-169231740-G-A. GRCh37 (hg19) VCF-style: chr2-170088250-G-A.
Other names: short protein forms S1734F.
Identifiers: ClinVar variation 2098508 (VCV002098508.1), dbSNP rs1689412136, ClinGen allele CA349140166.

ClinVar aggregate classification (germline): Uncertain significance (1 of 4 stars; one submission).

Allele frequency attached by ClinVar (database versions not stated): gnomAD exomes below 0.00001; gnomAD 0.00001; TOPMed 0.00001.
gnomAD v4.1: 3 of 1,613,976 alleles (0.00019%); highest among the groups gnomAD compares: Admixed American, 0.0033%; no homozygotes.

Submission:

Labcorp Genetics (formerly Invitae), Labcorp
Classification: Uncertain significance. Last evaluated: 2022-02-18. Review status: criteria provided, single submitter. Criteria: Invitae Variant Classification Sherloc (09022015). Collection method: clinical testing. Allele origin: germline.
Comment: This sequence change replaces serine, which is neutral and polar, with phenylalanine, which is neutral and non-polar, at codon 1734 of the LRP2 protein (p.Ser1734Phe). This variant is not present in population databases (gnomAD no frequency). This variant has not been reported in the literature in individuals affected with LRP2-related conditions. Algorithms developed to predict the effect of missense changes on protein structure and function (SIFT, PolyPhen-2, Align-GVGD) all suggest that this variant is likely to be tolerated. In summary, the available evidence is currently insufficient to determine the role of this variant in disease. Therefore, it has been classified as a Variant of Uncertain Significance.